The following is an entry in ClinVar:

NM_001367624.2(ZNF469):c.3958C>A (p.Pro1320Thr)

Gene: ZNF469 (zinc finger protein 469; plus strand). Cytogenetic location: 16q24.2.
Variant type: single nucleotide variant.
Coding change: c.3958C>A on transcript NM_001367624.2 (MANE Select); coding-DNA position 3958, C replaced by A.
Protein change: p.Pro1320Thr; replaces proline 1320 with threonine.
Molecular consequence: missense variant.
Genome position (GRCh38, 1-based): chr16:88,431,428, C>A. VCF-style: chr16-88431428-C-A. GRCh37 (hg19) VCF-style: chr16-88497836-C-A.
Other names: NM_001127464.1:c.3874C>A; short protein forms P1320T.
Identifiers: ClinVar variation 2182294 (VCV002182294.3), dbSNP rs776071197, ClinGen allele CA8224907.
Genomic context (GRCh38, chr16:88,431,428, plus strand): 5'-AGCCTGCTGGGTGGTCCTGGGGGCACACAGGCCCCAGTCTCCCACAACAGCAAGGACCCC[C>A]CTGCCCGCCAGCCTGGAGAATTTCTGGCACCCGTGGCTAACCCCTCAAGTACCGCCTGCC-3'
Protein context (NP_001354553.1, residues 1310-1330): APVSHNSKDP[Pro1320Thr]ARQPGEFLAP

ClinVar aggregate classification (germline): Uncertain significance. Review status: criteria provided, multiple submitters, no conflicts (2 of 4 stars). 2 submissions from 2 submitters: Uncertain significance (2). Last evaluated 2025-05-24.

Conditions:
Cardiovascular phenotype. Identifiers: MedGen CN230736.

Allele frequency attached by ClinVar (database versions not stated): TOPMed 0.00001; ExAC 0.00006.
gnomAD v4.1: 12 of 1,550,374 alleles (0.00077%); highest among the groups gnomAD compares: Middle Eastern, 0.017%; no homozygotes.

Submissions (2):

Ambry Genetics
Classification: Uncertain significance for Cardiovascular phenotype. Last evaluated: 2025-05-24. Review status: criteria provided, single submitter. Criteria: Ambry Variant Classification Scheme 2023. Collection method: clinical testing. Allele origin: germline.
Comment: The p.P1292T variant (also known as c.3874C>A), located in coding exon 2 of the ZNF469 gene, results from a C to A substitution at nucleotide position 3874. The proline at codon 1292 is replaced by threonine, an amino acid with highly similar properties. This amino acid position is conserved. In addition, this alteration is predicted to be tolerated by in silico analysis. Since supporting evidence is limited at this time, the clinical significance of this alteration remains unclear.

Labcorp Genetics (formerly Invitae), Labcorp
Classification: Uncertain significance. Last evaluated: 2022-10-25. Review status: criteria provided, single submitter. Criteria: Invitae Variant Classification Sherloc (09022015). Collection method: clinical testing. Allele origin: germline.
Comment: This sequence change replaces proline, which is neutral and non-polar, with threonine, which is neutral and polar, at codon 1292 of the ZNF469 protein (p.Pro1292Thr). This variant is present in population databases (rs776071197, gnomAD 0.004%). This variant has not been reported in the literature in individuals affected with ZNF469-related conditions. Algorithms developed to predict the effect of missense changes on protein structure and function (SIFT, PolyPhen-2, Align-GVGD) all suggest that this variant is likely to be tolerated. In summary, the available evidence is currently insufficient to determine the role of this variant in disease. Therefore, it has been classified as a Variant of Uncertain Significance.